The following is an entry in ClinVar:

ClinVar aggregate classification (germline): Uncertain significance (1 of 4 stars; one submission).

Conditions:
Hereditary cancer-predisposing syndrome. Also called: Tumor predisposition; Hereditary neoplastic syndrome; Hereditary Cancer Syndrome; Neoplastic Syndromes, Hereditary. Identifiers: Orphanet 140162, MedGen C0027672, MeSH D009386, MONDO:0015356.

Submission:

Ambry Genetics
Classification: Uncertain significance for Hereditary cancer-predisposing syndrome. Last evaluated: 2026-05-26. Review status: criteria provided, single submitter. Criteria: Ambry Variant Classification Scheme 2023. Collection method: clinical testing. Allele origin: germline.
Comment: The p.C15G variant (also known as c.43T>G), located in coding exon 1 of the CDKN2A (p14ARF) gene, results from a T to G substitution at nucleotide position 43. The cysteine at codon 15 is replaced by glycine, an amino acid with highly dissimilar properties. This amino acid position is not well conserved in available vertebrate species. Based on the available evidence, the clinical significance of this variant remains unclear.

NM_058195.4(CDKN2A):c.43T>G (p.Cys15Gly)

Gene: CDKN2A (cyclin dependent kinase inhibitor 2A; minus strand). Cytogenetic location: 9p21.3.
Variant type: single nucleotide variant.
Coding change: c.43T>G on transcript NM_058195.4 (MANE Plus Clinical); coding-DNA position 43, T replaced by G.
Protein change: p.Cys15Gly; replaces cysteine 15 with glycine.
Molecular consequence: missense variant. On other transcripts: intron variant (1).
Genome position (GRCh38, 1-based): chr9:21,994,289, A>C on the plus strand (T>G on the coding strand, the complement: CDKN2A is on the minus strand). VCF-style: chr9-21994289-A-C. GRCh37 (hg19) VCF-style: chr9-21994288-A-C.
Other names: c.-4+532T>G (NM_001363763.2); short protein forms C15G.
Identifiers: ClinVar variation 4868646 (VCV004868646.1).